The following is an entry in ClinVar:

ClinVar aggregate classification (germline): Uncertain significance. Review status: criteria provided, multiple submitters, no conflicts (2 of 4 stars). 2 submissions from 2 submitters: Uncertain significance (2). Last evaluated 2026-07-01.

Submissions (2):

CeGaT Center for Human Genetics Tuebingen
Classification: Uncertain significance. Last evaluated: 2026-07-01. Review status: criteria provided, single submitter. Criteria: CeGaT Center For Human Genetics Tuebingen Variant Classification Criteria Version 2. Collection method: clinical testing. Allele origin: germline. Affected: yes. Observed: 1 variant allele.
Comment: MC4R: PM2, PS3:Supporting, PS4:Supporting

Centre of Medical Genetics, University Hospital Muenster
Classification: Uncertain significance. Last evaluated: 2025-01-17. Review status: criteria provided, single submitter. Criteria: ACMG Guidelines, 2015. Collection method: clinical testing. Allele origin: unknown. Affected: yes. Observed: 1 variant allele, 1 heterozygote.
Comment: ACMG categories: PM2,PP3

NM_005912.3(MC4R):c.632T>C (p.Leu211Pro)

Gene: MC4R (melanocortin 4 receptor; minus strand). Cytogenetic location: 18q21.32.
Variant type: single nucleotide variant.
Coding change: c.632T>C on transcript NM_005912.3 (MANE Select); coding-DNA position 632, T replaced by C.
Protein change: p.Leu211Pro; replaces leucine 211 with proline.
Molecular consequence: missense variant.
Genome position (GRCh38, 1-based): chr18:60,371,718, A>G on the plus strand (T>C on the coding strand, the complement: MC4R is on the minus strand). VCF-style: chr18-60371718-A-G. GRCh37 (hg19) VCF-style: chr18-58038951-A-G.
Other names: short protein forms L211P.
Identifiers: ClinVar variation 4526349 (VCV004526349.2).
Genomic context (GRCh38, chr18:60,371,718, plus strand): 5'-CCGGGGAGGACAGCAATCCTCTTAATGTGAAGCCTGGCCATCAGGAACATGTGGACATAG[A>G]GAGAAGCCATGAGAGCCAGCATGGTGAAGAACATGGTGATGAGGCAGATGATGACAGCAC-3'
Protein context (NP_005903.2, residues 201-221): FFTMLALMAS[Leu211Pro]YVHMFLMARL